The following is an entry in ClinVar:

NM_005765.3(ATP6AP2):c.946G>A (p.Ala316Thr)

Gene: ATP6AP2 (ATPase H+ transporting accessory protein 2; plus strand). Cytogenetic location: Xp11.4.
Variant type: single nucleotide variant.
Coding change: c.946G>A on transcript NM_005765.3 (MANE Select); coding-DNA position 946, G replaced by A.
Protein change: p.Ala316Thr; replaces alanine 316 with threonine.
Molecular consequence: missense variant.
Genome position (GRCh38, 1-based): chrX:40,605,648, G>A. VCF-style: chrX-40605648-G-A. GRCh37 (hg19) VCF-style: chrX-40464900-G-A.
Other names: short protein forms A316T.
Identifiers: ClinVar variation 2029035 (VCV002029035.4), dbSNP rs1020393492, ClinGen allele CA328991816.

ClinVar aggregate classification (germline): Uncertain significance (1 of 4 stars; one submission).

Conditions:
Intellectual developmental disorder, X-linked, syndromic, Hedera type. Also called: Syndromic X-linked intellectual disability Hedera type. Identifiers: Orphanet 93952, MedGen C1845543, MONDO:0010319, OMIM 300423.

Allele frequency attached by ClinVar (database versions not stated): gnomAD exomes 0.00001; TOPMed 0.00003; gnomAD 0.00001.

Submission:

Labcorp Genetics (formerly Invitae), Labcorp
Classification: Uncertain significance for Intellectual developmental disorder, X-linked, syndromic, Hedera type. Last evaluated: 2022-09-02. Review status: criteria provided, single submitter. Criteria: Invitae Variant Classification Sherloc (09022015). Collection method: clinical testing. Allele origin: germline.
Comment: This variant has not been reported in the literature in individuals affected with ATP6AP2-related conditions. This variant is present in population databases (no rsID available, gnomAD 0.01%). This sequence change replaces alanine, which is neutral and non-polar, with threonine, which is neutral and polar, at codon 316 of the ATP6AP2 protein (p.Ala316Thr). Algorithms developed to predict the effect of missense changes on protein structure and function output the following: SIFT: "Tolerated"; PolyPhen-2: "Benign"; Align-GVGD: "Class C0". The threonine amino acid residue is found in multiple mammalian species, which suggests that this missense change does not adversely affect protein function. In summary, the available evidence is currently insufficient to determine the role of this variant in disease. Therefore, it has been classified as a Variant of Uncertain Significance.